The following is an entry in ClinVar:

ClinVar aggregate classification (germline): Uncertain significance (1 of 4 stars; one submission).

Conditions:
PLEC-related disorder. Also called: PLEC-related condition; PLEC-related disorders.

Submission:

PreventionGenetics, part of Exact Sciences
Classification: Uncertain significance for PLEC-related condition. Last evaluated: 2026-07-24. Review status: criteria provided, single submitter. Criteria: ACMG Guidelines, 2015. Collection method: clinical testing. Allele origin: germline.
Comment: The PLEC c.6011_6013delCGG variant is predicted to result in an in-frame deletion (p.Ala2004del). To our knowledge, this variant has not been reported in the literature or in a large population database (gnomAD), indicating this variant is rare. At this time, the clinical significance of this variant is uncertain due to the absence of conclusive functional and genetic evidence.

NM_201384.3(PLEC):c.5927CGG[1] (p.Ala1977del)

Gene: PLEC (plectin; minus strand). Cytogenetic location: 8q24.3.
Variant type: Microsatellite.
Coding change: c.5927CGG[1] on transcript NM_201384.3 (MANE Select); one copy of the 3-base unit CGG starting at c.5927; the reference has two copies in a row; one copy, 3 bases deleted.
Protein change: p.Ala1977del; deletes alanine 1977.
Molecular consequence: inframe deletion. On other transcripts: intron variant (1).
Genome position (GRCh38, 1-based): chr8:143,923,997-143,923,999, CCG deleted on the plus strand (CGG on the coding strand, the reverse complement: PLEC is on the minus strand); deleting any 3 consecutive bases within chr8:143,923,997-143,924,004 gives the same sequence; the position shown is the placement nearest the transcript's 3' end. VCF-style (leftmost placement, unchanged base first): chr8-143923996-TCCG-T. GRCh37 (hg19) VCF-style: chr8-144998164-TCCG-T.
Other names: c.6008CGG[1], p.Ala2004del (NM_000445.5); c.5885CGG[1], p.Ala1963del (NM_201378.4); c.5861CGG[1], p.Ala1955del (NM_201379.3); c.6338CGG[1], p.Ala2114del (NM_201380.4); c.5831CGG[1], p.Ala1945del (NM_201381.3); c.5927CGG[1], p.Ala1977del (NM_201382.4); c.5939CGG[1], p.Ala1981del (NM_201383.3); c.4126-1604_4126-1602del (NM_001410941.1); short protein forms A1955del, A1963del, A2004del, A2114del, A1977del, A1981del, A1945del.
Identifiers: ClinVar variation 4992886 (VCV004992886.1).
Genomic context (GRCh38, chr8:143,923,996, plus strand): 5'-TCCTCGGCCGCCAGGCTCTTCTGCACGCGCTCCTCAGCCTCACGGCGCCGCCGCTCCTCC[TCCG>T]CCGCCAGCTGCCGCTGCCTCGCAGCCTCCAGCTCGGCCTGCTCCTTGCTGCGCAGCGTGT-3'